The following is an entry in ClinVar:

NM_000543.5(SMPD1):c.1154A>T (p.Asn385Ile)

Gene: SMPD1 (sphingomyelin phosphodiesterase 1; plus strand). Cytogenetic location: 11p15.4.
Variant type: single nucleotide variant.
Coding change: c.1154A>T on transcript NM_000543.5 (MANE Select); coding-DNA position 1154, A replaced by T.
Protein change: p.Asn385Ile; replaces asparagine 385 with isoleucine.
Molecular consequence: missense variant. On other transcripts: non-coding transcript variant (1), intron variant (1).
Genome position (GRCh38, 1-based): chr11:6,393,278, A>T. VCF-style: chr11-6393278-A-T. GRCh37 (hg19) VCF-style: chr11-6414508-A-T.
Other names: c.1151A>T, p.Asn384Ile (NM_001007593.3); c.1154A>T, p.Asn385Ile (NM_001318087.2); c.233A>T, p.Asn78Ile (NM_001318088.2); c.1132-339A>T (NM_001365135.2); short protein forms N385I, N384I, N78I.
Identifiers: ClinVar variation 1918617 (VCV001918617.6), dbSNP rs120074123, ClinGen allele CA379373063.

ClinVar aggregate classification (germline): Likely pathogenic. Review status: criteria provided, multiple submitters, no conflicts (2 of 4 stars). 2 submissions from 2 submitters: Likely pathogenic (2). Last evaluated 2024-01-10.

Conditions:
Niemann-Pick disease, type A. Also called: SPHINGOMYELIN LIPIDOSIS; SPHINGOMYELINASE DEFICIENCY; Infantile Neurovisceral ASMD (Niemann-Pick Disease Type A; NPD-A). Identifiers: Orphanet 77292, MedGen C0268242, MONDO:0009756, OMIM 257200. Disease mechanism: loss of function.
Niemann-Pick disease, type B. Also called: Chronic Visceral ASMD (Niemann-Pick Disease Type B; NPD-B). Identifiers: Orphanet 77293, MedGen C0268243, MONDO:0011871, OMIM 607616. Disease mechanism: loss of function.

Submissions (2):

Fulgent Genetics
Classification: Likely pathogenic for Niemann-Pick disease, type A; Niemann-Pick disease, type B. Last evaluated: 2024-01-10. Review status: criteria provided, single submitter. Criteria: ACMG Guidelines, 2015. Collection method: clinical testing. Allele origin: germline.

Labcorp Genetics (formerly Invitae), Labcorp
Classification: Likely pathogenic for Niemann-Pick disease, type B; Niemann-Pick disease, type A. Last evaluated: 2023-06-05. Review status: criteria provided, single submitter. Criteria: Invitae Variant Classification Sherloc (09022015). Collection method: clinical testing. Allele origin: germline.
Comment: ClinVar contains an entry for this variant (Variation ID: 1918617). In summary, the currently available evidence indicates that the variant is pathogenic, but additional data are needed to prove that conclusively. Therefore, this variant has been classified as Likely Pathogenic. This variant disrupts the p.Asn385 amino acid residue in SMPD1. Other variant(s) that disrupt this residue have been observed in individuals with SMPD1-related conditions (PMID: 1618760, 25811928; Invitae), which suggests that this may be a clinically significant amino acid residue. Advanced modeling of protein sequence and biophysical properties (such as structural, functional, and spatial information, amino acid conservation, physicochemical variation, residue mobility, and thermodynamic stability) performed at Invitae indicates that this missense variant is expected to disrupt SMPD1 protein function. This missense change has been observed in individual(s) with Niemann-Pick Disease (Invitae). This variant is not present in population databases (gnomAD no frequency). This sequence change replaces asparagine, which is neutral and polar, with isoleucine, which is neutral and non-polar, at codon 385 of the SMPD1 protein (p.Asn385Ile).

Literature cited by the submitters: PubMed 1618760 (cited by Labcorp Genetics (formerly Invitae), Labcorp); PubMed 25811928 (cited by Labcorp Genetics (formerly Invitae), Labcorp).